The following is an entry in ClinVar:

ClinVar aggregate classification (germline): Uncertain significance (1 of 4 stars; one submission).

Conditions:
Landau-Kleffner syndrome (FESD). Also called: APHASIA, ACQUIRED, WITH EPILEPSY; EPILEPSY, FOCAL, WITH SPEECH DISORDER AND WITH OR WITHOUT MENTAL RETARDATION. Identifiers: Orphanet 1945, Orphanet 725, Orphanet 98818, MedGen C0282512, MONDO:0009509, OMIM 245570.

gnomAD v4.1: 1 of 1,614,200 alleles (0.000062%); highest among the groups gnomAD compares: Non-Finnish European, 0.000085%; no homozygotes.

Submission:

Labcorp Genetics (formerly Invitae), Labcorp
Classification: Uncertain significance for Landau-Kleffner syndrome. Last evaluated: 2021-08-24. Review status: criteria provided, single submitter. Criteria: Invitae Variant Classification Sherloc (09022015). Collection method: clinical testing. Allele origin: germline.
Comment: Advanced modeling of protein sequence and biophysical properties (such as structural, functional, and spatial information, amino acid conservation, physicochemical variation, residue mobility, and thermodynamic stability) performed at Invitae indicates that this missense variant is not expected to disrupt GRIN2A protein function. Algorithms developed to predict the effect of sequence changes on RNA splicing suggest that this variant may create or strengthen a splice site, but this prediction has not been confirmed by published transcriptional studies. In summary, the available evidence is currently insufficient to determine the role of this variant in disease. Therefore, it has been classified as a Variant of Uncertain Significance. This sequence change replaces histidine with glutamine at codon 1389 of the GRIN2A protein (p.His1389Gln). The histidine residue is weakly conserved and there is a small physicochemical difference between histidine and glutamine. This variant is not present in population databases (ExAC no frequency). This variant has not been reported in the literature in individuals with GRIN2A-related conditions.

NM_001134407.3(GRIN2A):c.4167C>G (p.His1389Gln)

Gene: GRIN2A (glutamate ionotropic receptor NMDA type subunit 2A; minus strand). Cytogenetic location: 16p13.2.
Variant type: single nucleotide variant.
Coding change: c.4167C>G on transcript NM_001134407.3 (MANE Select); coding-DNA position 4167, C replaced by G.
Protein change: p.His1389Gln; replaces histidine 1389 with glutamine.
Molecular consequence: missense variant.
Genome position (GRCh38, 1-based): chr16:9,763,377, G>C on the plus strand (C>G on the coding strand, the complement: GRIN2A is on the minus strand). VCF-style: chr16-9763377-G-C. GRCh37 (hg19) VCF-style: chr16-9857234-G-C.
Other names: c.4167C>G, p.His1389Gln (NM_000833.5); c.3824C>G, p.Thr1275Ser (NM_001134408.2); short protein forms T1275S, H1389Q.
Identifiers: ClinVar variation 1406453 (VCV001406453.8), dbSNP rs779614780, ClinGen allele CA394705925.